The following is an entry in ClinVar:

ClinVar aggregate classification (germline): Pathogenic (1 of 4 stars; one submission).

Conditions:
Pheochromocytoma. Also called: MAX-Related Hereditary Paraganglioma-Pheochromocytoma Syndrome. Identifiers: Orphanet 29072, MedGen C0031511, MONDO:0008233, OMIM 171300, HP:0002666.
Gastrointestinal stromal tumor. Also called: Gastrointestinal stromal tumor, somatic; Gastrointestinal stroma tumor. Identifiers: Orphanet 44890, MedGen C0238198, MeSH D046152, MONDO:0011719, OMIM 606764, HP:0100723.
Pheochromocytoma/paraganglioma syndrome 4. Also called: SDHB-Related Hereditary Paraganglioma-Pheochromocytoma Syndrome; PARAGANGLIOMA, FAMILIAL MALIGNANT; PARAGANGLIOMAS, HEREDITARY EXTRAADRENAL; PHEOCHROMOCYTOMA, FAMILIAL EXTRAADRENAL; Paragangliomas 4; CAROTID BODY TUMORS AND MULTIPLE EXTRAADRENAL PHEOCHROMOCYTOMAS. Identifiers: Orphanet 29072, MedGen C1861848, MONDO:0007273, OMIM 115310.

Submission:

Labcorp Genetics (formerly Invitae), Labcorp
Classification: Pathogenic for Gastrointestinal stromal tumor; Pheochromocytoma/paraganglioma syndrome 4; Pheochromocytoma. Last evaluated: 2023-07-08. Review status: criteria provided, single submitter. Criteria: Invitae Variant Classification Sherloc (09022015). Collection method: clinical testing. Allele origin: germline.
Comment: For these reasons, this variant has been classified as Pathogenic. ClinVar contains an entry for this variant (Variation ID: 528741). This premature translational stop signal has been observed in individuals with paraganglioma (PMID: 26267327; Invitae). This variant is not present in population databases (gnomAD no frequency). This sequence change creates a premature translational stop signal (p.Arg38Valfs*39) in the SDHB gene. It is expected to result in an absent or disrupted protein product. Loss-of-function variants in SDHB are known to be pathogenic (PMID: 19454582, 19802898).

Literature cited by the submitters: PubMed 26267327; PubMed 19454582; PubMed 19802898.

NM_003000.3(SDHB):c.112del (p.Arg38fs)

Gene: SDHB (succinate dehydrogenase complex iron sulfur subunit B; minus strand). Cytogenetic location: 1p36.13.
Variant type: Deletion.
Coding change: c.112del on transcript NM_003000.3 (MANE Select); coding-DNA position 112, one base deleted (C; older notation c.112delC).
Protein change: p.Arg38fs; shifts the reading frame from arginine 38.
Molecular consequence: frameshift variant.
Genome position (GRCh38, 1-based): chr1:17,044,849, G deleted on the plus strand (C on the coding strand, the reverse complement: SDHB is on the minus strand); the first of 4 consecutive G bases (chr1:17,044,849-17,044,852); deleting any one gives the same sequence. VCF-style (leftmost placement, unchanged base first): chr1-17044848-CG-C. GRCh37 (hg19) VCF-style: chr1-17371343-CG-C.
Other names: c.112delC (NM_003000.2); short protein forms R38fs.
Identifiers: ClinVar variation 528741 (VCV000528741.6), dbSNP rs398123690, ClinGen allele CA658795409.